The following is an entry in ClinVar:

NM_000404.4(GLB1):c.335A>C (p.His112Pro)

Gene: GLB1 (galactosidase beta 1; minus strand). Cytogenetic location: 3p22.3.
Variant type: single nucleotide variant.
Coding change: c.335A>C on transcript NM_000404.4 (MANE Select); coding-DNA position 335, A replaced by C.
Protein change: p.His112Pro; replaces histidine 112 with proline.
Molecular consequence: missense variant. On other transcripts: intron variant (1).
Genome position (GRCh38, 1-based): chr3:33,068,881, T>G on the plus strand (A>C on the coding strand, the complement: GLB1 is on the minus strand). VCF-style: chr3-33068881-T-G. GRCh37 (hg19) VCF-style: chr3-33110373-T-G.
Other names: c.245A>C, p.His82Pro (NM_001079811.3); c.479A>C, p.His160Pro (NM_001317040.2); c.335A>C, p.His112Pro (NM_001393580.1); c.246-3324A>C (NM_001135602.3); short protein forms H112P, H82P, H160P.
Identifiers: ClinVar variation 555030 (VCV000555030.10), dbSNP rs753965226, ClinGen allele CA2299736.

ClinVar aggregate classification (germline): Pathogenic/Likely pathogenic. Review status: criteria provided, multiple submitters, no conflicts (2 of 4 stars). 5 submissions from 5 submitters: Pathogenic (1); Likely pathogenic (3). 1 of the submissions does not count toward it. Last evaluated 2025-12-24.

Conditions:
Autosomal recessive GLB1-related disorders.
GLB1-related disorder. Also called: GLB1-related disorders. Identifiers: MedGen CN377807.
Infantile GM1 gangliosidosis. Also called: Gangliosidosis, Generalized GM1, Type 1; GM1-gangliosidosis, type I; Gangliosidosis, generalized GM1, infantile form; GLB1 deficiency; GM1 gangliosidosis type 1. Identifiers: Orphanet 354, Orphanet 79255, MedGen C0268271, MONDO:0009260, OMIM 230500.
Mucopolysaccharidosis, MPS-IV-B (MPS4B). Also called: MORQUIO SYNDROME B; Mucopolysaccharidosis Type IVB (Morquio B Disease); Mucopolysaccharidosis type IV B; Mucopolysaccharidosis Type IVB; Mucopolysaccharidosis type IVB (Morquio); MPS IVB. Identifiers: Orphanet 309310, Orphanet 582, MedGen C0086652, MONDO:0009660, OMIM 253010.
GM1 gangliosidosis type 3. Also called: GM1-GANGLIOSIDOSIS, TYPE III; Gangliosidosis, Generalized GM1, Type 3; Beta-galactosidase deficiency; Adult GM1 gangliosidosis; Type 3 (adult) GM1 gangliosidosis; GANGLIOSIDOSIS, GENERALIZED GM1, ADULT TYPE. Identifiers: Orphanet 79257, MedGen C0268273, MONDO:0009262, OMIM 230650.
GM1 gangliosidosis type 2. Also called: GM1-GANGLIOSIDOSIS, TYPE II; Gangliosidosis, Generalized GM1, Type 2; Juvenile GM>1< gangliosidosis; GANGLIOSIDOSIS, GENERALIZED GM1, JUVENILE TYPE; GANGLIOSIDOSIS, GENERALIZED GM1, TYPE II. Identifiers: Orphanet 354, Orphanet 79256, MedGen C0268272, MONDO:0009261, OMIM 230600.
GM1 gangliosidosis. Identifiers: Orphanet 354, MedGen C0085131, MONDO:0018149.

Allele frequency attached by ClinVar (database versions not stated): gnomAD 0.00003; TOPMed 0.00004.
gnomAD v4.1: 33 of 1,614,038 alleles (0.002%); highest among the groups gnomAD compares: Non-Finnish European, 0.0024%; no homozygotes.

Submissions (5):

Variantyx, Inc.
Classification: Likely pathogenic for Autosomal recessive GLB1-related disorders. Last evaluated: 2025-12-24. Review status: criteria provided, single submitter. Criteria: Variantyx Assertion Criteria 2022. Collection method: clinical testing. Allele origin: germline. Inheritance: Autosomal recessive inheritance. Affected: no.
Comment: This is a nonsynonymous variant in the GLB1 gene (OMIM: 611458). Pathogenic variants in this gene have been associated with autosomal recessive GLB1-related disorders. This variant has been identified in the compound heterozygous state in at least one individual reported in the published literature (PMID:¬† 35937492) (PM3). Functional studies have shown that this variant alters GLB1 protein function (PMID: 20175788) (PS3), a d multiple computational algorithms predict a deleterious effect for this variant (REVEL score: 0.741) (PP3). This variant has a 0.0024% maximum allele frequency in non-founder control populations (PM2). Based on the current evidence, this variant is classified as likely pathogenic for autosomal recessive GLB1-related disorders.

Women's Health and Genetics/Laboratory Corporation of America, LabCorp
Classification: Likely pathogenic for GM1 gangliosidosis. Last evaluated: 2024-11-08. Review status: criteria provided, single submitter. Criteria: LabCorp Variant Classification Summary - May 2015. Collection method: clinical testing. Allele origin: germline.
Comment: Variant summary: GLB1 c.335A>C (p.His112Pro) results in a non-conservative amino acid change located in the (Trans)glycosidases domain (IPR017853) of the encoded protein sequence. Four of five in-silico tools predict a damaging effect of the variant on protein function. The variant allele was found at a frequency of 1.2e-05 in 249516 control chromosomes (gnomAD). c.335A>C has been reported in the literature in individuals affected with GM1 Gangliosidosis (Hofer_2010, Lawrence_2019, Koya Kutty_2022). These data indicate that the variant may be associated with disease. At least one publication reports experimental evidence evaluating an impact on protein function. The most pronounced variant effect results in <10% of normal activity (Hofer_2010). The following publications have been ascertained in the context of this evaluation (PMID: 20175788, 35937492, 31720227). ClinVar contains an entry for this variant (Variation ID: 555030). Based on the evidence outlined above, the variant was classified as likely pathogenic.

Blueprint Genetics
Classification: Likely pathogenic for GLB1-related disorders. Last evaluated: 2024-01-05. Review status: criteria provided, single submitter. Criteria: ACMG Guidelines, 2015. Collection method: clinical testing. Allele origin: germline. Affected: yes. Observed: 1 variant allele.

Labcorp Genetics (formerly Invitae), Labcorp
Classification: Pathogenic for Mucopolysaccharidosis, MPS-IV-B; GM1 gangliosidosis. Last evaluated: 2023-12-09. Review status: criteria provided, single submitter. Criteria: Invitae Variant Classification Sherloc (09022015). Collection method: clinical testing. Allele origin: germline.
Comment: This sequence change replaces histidine, which is basic and polar, with proline, which is neutral and non-polar, at codon 112 of the GLB1 protein (p.His112Pro). This variant is present in population databases (rs753965226, gnomAD 0.004%). This missense change has been observed in individual(s) with GM1-gangliosidosis (PMID: 20175788, 35937492). In at least one individual the data is consistent with being in trans (on the opposite chromosome) from a pathogenic variant. ClinVar contains an entry for this variant (Variation ID: 555030). Advanced modeling of protein sequence and biophysical properties (such as structural, functional, and spatial information, amino acid conservation, physicochemical variation, residue mobility, and thermodynamic stability) performed at Invitae indicates that this missense variant is expected to disrupt GLB1 protein function with a positive predictive value of 95%. Experimental studies have shown that this missense change affects GLB1 function (PMID: 20175788). For these reasons, this variant has been classified as Pathogenic.

Counsyl
Classification: Uncertain significance for Infantile GM1 gangliosidosis; GM1 gangliosidosis type 2; GM1 gangliosidosis type 3; Mucopolysaccharidosis, MPS-IV-B. Last evaluated: 2017-11-12. Review status: no assertion criteria provided. Collection method: clinical testing. Allele origin: unknown. Not counted in ClinVar's aggregate classification.

Literature cited by the submitters: PubMed 20175788 (cited by 4 submitters); PubMed 35937492 (cited by 3 submitters); PubMed 31720227 (cited by Variantyx, Inc. and Women's Health and Genetics/Laboratory Corporation of America, LabCorp).